The following is an entry in ClinVar:

ClinVar aggregate classification (germline): Benign/Likely benign. Review status: criteria provided, multiple submitters, no conflicts (2 of 4 stars). 3 submissions from 3 submitters: Benign (1); Likely benign (2). Last evaluated 2025-02-20.

Conditions:
Breast-ovarian cancer, familial, susceptibility to, 4. Identifiers: Orphanet 145, MedGen C3280345, MONDO:0013669, OMIM 614291.
Hereditary cancer-predisposing syndrome. Also called: Neoplastic Syndromes, Hereditary; Hereditary neoplastic syndrome; Hereditary Cancer Syndrome; Tumor predisposition. Identifiers: Orphanet 140162, MedGen C0027672, MeSH D009386, MONDO:0015356.

Submissions (3):

Myriad Genetics, Inc.
Classification: Benign for Breast-ovarian cancer, familial, susceptibility to, 4. Last evaluated: 2025-02-20. Review status: criteria provided, single submitter. Criteria: Myriad Autosomal Dominant, Autosomal Recessive and X-Linked Classification Criteria (2023). Collection method: clinical testing. Allele origin: unknown.
Comment: This variant is considered benign. This variant is a silent/synonymous amino acid change and it is not expected to impact splicing.

Ambry Genetics
Classification: Likely benign for Hereditary cancer-predisposing syndrome. Last evaluated: 2024-12-20. Review status: criteria provided, single submitter. Criteria: Ambry Variant Classification Scheme 2023. Collection method: clinical testing. Allele origin: germline.

Labcorp Genetics (formerly Invitae), Labcorp
Classification: Likely benign for Breast-ovarian cancer, familial, susceptibility to, 4. Last evaluated: 2023-06-30. Review status: criteria provided, single submitter. Criteria: Invitae Variant Classification Sherloc (09022015). Collection method: clinical testing. Allele origin: germline.

NM_002878.4(RAD51D):c.219G>A (p.Glu73=)

Genes: RAD51D (RAD51 paralog D; minus strand), RAD51L3-RFFL (RAD51L3-RFFL readthrough; minus strand). Cytogenetic location: 17q12.
Variant type: single nucleotide variant.
Coding change: c.219G>A on transcript NM_002878.4 (MANE Select); coding-DNA position 219, G replaced by A.
Protein change: p.Glu73=; no amino-acid change (glutamic acid 73 retained).
Molecular consequence: synonymous variant. On other transcripts: intron variant (2).
Genome position (GRCh38, 1-based): chr17:35,118,545, C>T on the plus strand (G>A on the coding strand, the complement: RAD51D is on the minus strand). VCF-style: chr17-35118545-C-T. GRCh37 (hg19) VCF-style: chr17-33445564-C-T.
Other names: c.144+566G>A (NM_133629.3, NM_001142571.2).
Identifiers: ClinVar variation 2972022 (VCV002972022.5), dbSNP rs2142474030, ClinGen allele CA2733441593.
Genomic context (GRCh38, chr17:35,118,545, plus strand): 5'-AAGTACACACACAAACCTGCCAATGCCAGTGGACAGGATGGCAGTGGAGGTCTTCAGTTC[C>T]TCGTAGAGATCAGCGCCATTCACGGGGAAAGCCGAGAACTGAGCCAGCAGCACCCGCCTC-3'
Protein context (NP_002869.3, residues 63-83): AFPVNGADLY[Glu73=]ELKTSTAILS